The following is an entry in ClinVar:

NM_001040142.2(SCN2A):c.1827C>A (p.Asp609Glu)

Gene: SCN2A (sodium voltage-gated channel alpha subunit 2; plus strand). Cytogenetic location: 2q24.3.
Variant type: single nucleotide variant.
Coding change: c.1827C>A on transcript NM_001040142.2 (MANE Select); coding-DNA position 1827, C replaced by A.
Protein change: p.Asp609Glu; replaces aspartic acid 609 with glutamic acid.
Molecular consequence: missense variant.
Genome position (GRCh38, 1-based): chr2:165,323,311, C>A. VCF-style: chr2-165323311-C-A. GRCh37 (hg19) VCF-style: chr2-166179821-C-A.
Other names: c.1827C>A, p.Asp609Glu (NM_001040143.2, NM_001371246.1, NM_001371247.1 and 1 more transcripts); short protein forms D609E.
Identifiers: ClinVar variation 2951326 (VCV002951326.3), dbSNP rs780387055, ClinGen allele CA349027013.

ClinVar aggregate classification (germline): Uncertain significance (1 of 4 stars; one submission).

Conditions:
Developmental and epileptic encephalopathy, 11 (DEE11). Also called: Early infantile epileptic encephalopathy 11. Identifiers: Orphanet 1934, MedGen C3150987, MONDO:0013388, OMIM 613721.
Seizures, benign familial infantile, 3 (BFIS3). Also called: Familial neonatal seizures; CONVULSIONS, BENIGN FAMILIAL INFANTILE, 3. Identifiers: Orphanet 140927, Orphanet 306, MedGen C1843140, MONDO:0011904, OMIM 607745.

Submission:

Labcorp Genetics (formerly Invitae), Labcorp
Classification: Uncertain significance for Seizures, benign familial infantile, 3; Developmental and epileptic encephalopathy, 11. Last evaluated: 2023-09-04. Review status: criteria provided, single submitter. Criteria: Invitae Variant Classification Sherloc (09022015). Collection method: clinical testing. Allele origin: germline.
Comment: In summary, the available evidence is currently insufficient to determine the role of this variant in disease. Therefore, it has been classified as a Variant of Uncertain Significance. Advanced modeling of protein sequence and biophysical properties (such as structural, functional, and spatial information, amino acid conservation, physicochemical variation, residue mobility, and thermodynamic stability) performed at Invitae indicates that this missense variant is not expected to disrupt SCN2A protein function. This variant has not been reported in the literature in individuals affected with SCN2A-related conditions. This variant is not present in population databases (gnomAD no frequency). This sequence change replaces aspartic acid, which is acidic and polar, with glutamic acid, which is acidic and polar, at codon 609 of the SCN2A protein (p.Asp609Glu).